The following is an entry in ClinVar:

ClinVar aggregate classification (germline): Uncertain significance (1 of 4 stars; one submission).

Conditions:
Catecholaminergic polymorphic ventricular tachycardia 1. Also called: VENTRICULAR TACHYCARDIA, STRESS-INDUCED POLYMORPHIC 1; RYR2-Related Catecholaminergic Polymorphic Ventricular Tachycardia; VENTRICULAR TACHYCARDIA, CATECHOLAMINERGIC POLYMORPHIC, 1, WITH OR WITHOUT ATRIAL DYSFUNCTION AND/OR DILATED CARDIOMYOPATHY. Identifiers: Orphanet 3286, MedGen C1631597, MONDO:0011484, OMIM 604772.

Submission:

Labcorp Genetics (formerly Invitae), Labcorp
Classification: Uncertain significance for Catecholaminergic polymorphic ventricular tachycardia 1. Last evaluated: 2022-11-07. Review status: criteria provided, single submitter. Criteria: Invitae Variant Classification Sherloc (09022015). Collection method: clinical testing. Allele origin: germline.
Comment: This variant is not present in population databases (gnomAD no frequency). In summary, the available evidence is currently insufficient to determine the role of this variant in disease. Therefore, it has been classified as a Variant of Uncertain Significance. Advanced modeling of protein sequence and biophysical properties (such as structural, functional, and spatial information, amino acid conservation, physicochemical variation, residue mobility, and thermodynamic stability) performed at Invitae indicates that this missense variant is not expected to disrupt RYR2 protein function. This variant has not been reported in the literature in individuals affected with RYR2-related conditions. This sequence change replaces serine, which is neutral and polar, with proline, which is neutral and non-polar, at codon 1967 of the RYR2 protein (p.Ser1967Pro).

NM_001035.3(RYR2):c.5899T>C (p.Ser1967Pro)

Gene: RYR2 (ryanodine receptor 2; plus strand). Cytogenetic location: 1q43.
Variant type: single nucleotide variant.
Coding change: c.5899T>C on transcript NM_001035.3 (MANE Select); coding-DNA position 5899, T replaced by C.
Protein change: p.Ser1967Pro; replaces serine 1967 with proline.
Molecular consequence: missense variant.
Genome position (GRCh38, 1-based): chr1:237,617,469, T>C. VCF-style: chr1-237617469-T-C. GRCh37 (hg19) VCF-style: chr1-237780769-T-C.
Other names: short protein forms S1967P.
Identifiers: ClinVar variation 3018504 (VCV003018504.3), dbSNP rs2546818235, ClinGen allele CA345407412.